The following is an entry in ClinVar:

NM_001942.4(DSG1):c.2522A>T (p.Tyr841Phe)

Genes: DSG1 (desmoglein 1; plus strand), DSG1-AS1 (DSG1 antisense RNA 1; minus strand), LOC126862720 (MED14-independent group 3 enhancer GRCh37_chr18:28933613-28934812; plus strand). Cytogenetic location: 18q12.1.
Variant type: single nucleotide variant.
Coding change: c.2522A>T on transcript NM_001942.4 (MANE Select); coding-DNA position 2522, A replaced by T.
Protein change: p.Tyr841Phe; replaces tyrosine 841 with phenylalanine.
Molecular consequence: missense variant.
Genome position (GRCh38, 1-based): chr18:31,354,718, A>T. VCF-style: chr18-31354718-A-T. GRCh37 (hg19) VCF-style: chr18-28934681-A-T.
Other names: short protein forms Y841F.
Identifiers: ClinVar variation 402803 (VCV000402803.18), dbSNP rs3752095, ClinGen allele CA8926379.
Genomic context (GRCh38, chr18:31,354,718, plus strand): 5'-TGCATCCTAAGCCTATTCTCGATCCTCTGGGCTATGGTAATGTCACTGTGACCGAGTCTT[A>T]CACCACCTCTGACACTCTGAAGCCCTCTGTGCACGTTCACGATAACCGACCAGCATCAAA-3'
Protein context (NP_001933.2, residues 831-851): GYGNVTVTES[Tyr841Phe]TTSDTLKPSV

ClinVar aggregate classification (germline): Benign. Review status: criteria provided, multiple submitters, no conflicts (2 of 4 stars). 6 submissions from 5 submitters: Benign (6). Last evaluated 2026-02-04.

Conditions:
Palmoplantar keratoderma i, striate, focal, or diffuse. Also called: KERATOSIS PALMOPLANTARIS STRIATA I; KERATODERMA, PALMOPLANTAR, STRIATE FORM I; STRIATE PALMOPLANTAR KERATODERMA I; PALMOPLANTAR KERATODERMA I, STRIATE OR DIFFUSE; PALMOPLANTAR KERATODERMA I, FOCAL; Keratosis Palmoplantaris Striata I, AD. Identifiers: Orphanet 369999, Orphanet 370002, MedGen C2931122, MONDO:0007859, OMIM 148700.
Severe dermatitis-multiple allergies-metabolic wasting syndrome. Also called: ERYTHRODERMA, CONGENITAL, WITH PALMOPLANTAR KERATODERMA, HYPOTRICHOSIS, RECURRENT INFECTIONS, AND MULTIPLE FOOD ALLERGIES; SEVERE DERMATITIS, MULTIPLE ALLERGIES, AND METABOLIC WASTING SYNDROME; SAM SYNDROME; Erythroderma, congenital, with palmoplantar keratoderma, hypotrichosis, and hyper-ige. Identifiers: Orphanet 369992, MedGen C3809719, MONDO:0014218, OMIM 615508.

Allele frequency attached by ClinVar (database versions not stated): 1000 Genomes Project 0.11542; 1000 Genomes Project 30x 0.11602; gnomAD exomes 0.13036 and 0.13476; ExAC 0.13203; TOPMed 0.13206; gnomAD 0.13455 and 0.13571; ESP Exome Variant Server 0.13686.
gnomAD v4.1: 217,596 of 1,613,964 alleles (13%); highest among the groups gnomAD compares: Middle Eastern, 22%; 15,211 homozygotes.

Submissions (6):

Labcorp Genetics (formerly Invitae), Labcorp
Classification: Benign. Last evaluated: 2026-02-04. Review status: criteria provided, single submitter. Criteria: Invitae Variant Classification Sherloc (09022015). Collection method: clinical testing. Allele origin: germline.

Genome-Nilou Lab
Classification: Benign for Severe dermatitis-multiple allergies-metabolic wasting syndrome. Last evaluated: 2021-07-30. Review status: criteria provided, single submitter. Criteria: ACMG Guidelines, 2015. Collection method: clinical testing. Allele origin: germline. Affected: no.

Genome-Nilou Lab
Classification: Benign for Palmoplantar keratoderma i, striate, focal, or diffuse. Last evaluated: 2021-07-30. Review status: criteria provided, single submitter. Criteria: ACMG Guidelines, 2015. Collection method: clinical testing. Allele origin: germline. Affected: no.

GeneDx
Classification: Benign. Last evaluated: 2021-05-04. Review status: criteria provided, single submitter. Criteria: GeneDx Variant Classification Process June 2021. Collection method: clinical testing. Allele origin: germline. Affected: yes.

Laboratory for Molecular Medicine, Mass General Brigham Personalized Medicine
Classification: Benign. Last evaluated: 2016-03-28. Review status: criteria provided, single submitter. Criteria: LMM Criteria. Collection method: clinical testing. Allele origin: germline.
Comment: Variant identified in a genome or exome case(s) and assessed due to predicted null impact of the variant or pathogenic assertions in the literature or databases. Disclaimer: This variant has not undergone full assessment. The following are preliminary notes: Frequency

Breakthrough Genomics
Classification: Benign. Review status: criteria provided, single submitter. Criteria: ACMG Guidelines, 2015. Collection method: not provided. Allele origin: germline. Inheritance: Autosomal recessive inheritance. Affected: yes.